The following is an entry in ClinVar:

ClinVar aggregate classification (germline): Pathogenic (1 of 4 stars; one submission).

Conditions:
Hereditary cancer-predisposing syndrome. Also called: Hereditary Cancer Syndrome; Neoplastic Syndromes, Hereditary; Hereditary neoplastic syndrome; Tumor predisposition. Identifiers: Orphanet 140162, MedGen C0027672, MeSH D009386, MONDO:0015356.

Submission:

Ambry Genetics
Classification: Pathogenic for Hereditary cancer-predisposing syndrome. Last evaluated: 2014-02-03. Review status: criteria provided, single submitter. Criteria: Ambry Autosomal Dominant and X-Linked criteria (10/2015). Collection method: clinical testing. Allele origin: germline. Observed: 1 variant allele.
Comment: Ã¢â‚¬â€¹The c.3347delG pathogenic mutation, located in coding exon 15 of the APC gene, results from a deletion of one nucleotide at position 3347, causing a translational frameshift with a predicted alternate stop codon. Since frameshifts are typically deleterious in nature, this alteration is interpreted as a disease-causing mutation (ACMG Recommendations for Standards for Interpretation and Reporting of Sequence Variations. Revision 2007. Genet Med. 2008;10:294).

NM_000038.6(APC):c.3347del (p.Gly1116fs)

Gene: APC (APC regulator of Wnt signaling pathway; plus strand). Cytogenetic location: 5q22.2.
Variant type: Deletion.
Coding change: c.3347del on transcript NM_000038.6 (MANE Select); coding-DNA position 3347, one base deleted (G; older notation c.3347delG).
Protein change: p.Gly1116fs; shifts the reading frame from glycine 1116.
Molecular consequence: frameshift variant.
Genome position (GRCh38, 1-based): chr5:112,838,941, G deleted; the last of 3 consecutive G bases (chr5:112,838,939-112,838,941); deleting any one gives the same sequence. VCF-style (leftmost placement, unchanged base first): chr5-112838938-TG-T. GRCh37 (hg19) VCF-style: chr5-112174635-TG-T.
Other names: c.3347del, p.Gly1116fs (NM_001127510.3, NM_001354895.2); c.3293del, p.Gly1098fs (NM_001127511.3); c.3401del, p.Gly1134fs (NM_001354896.2); c.3377del, p.Gly1126fs (NM_001354897.2); c.3272del, p.Gly1091fs (NM_001354898.2); c.3263del, p.Gly1088fs (NM_001354899.2); c.3224del, p.Gly1075fs (NM_001354900.2); c.3170del, p.Gly1057fs (NM_001354901.2); and 5 more; short protein forms G1091fs, G1116fs, G1126fs, G833fs, G990fs, G1088fs, G956fs, G1015fs.
Identifiers: ClinVar variation 428105 (VCV000428105.3), dbSNP rs1114167554, ClinGen allele CA645369364.